The following is an entry in ClinVar:

NM_001174150.2(ARL13B):c.689+1226A>G

Gene: ARL13B (ARF like GTPase 13B; plus strand). Cytogenetic location: 3q11.2.
Variant type: single nucleotide variant.
Coding change: c.689+1226A>G on transcript NM_001174150.2 (MANE Select); 1226 bases into the intron after coding-DNA position 689, A replaced by G.
Molecular consequence: intron variant.
Genome position (GRCh38, 1-based): chr3:94,037,980, A>G. VCF-style: chr3-94037980-A-G. GRCh37 (hg19) VCF-style: chr3-93756824-A-G.
Other names: c.644+1226A>G (NM_001321328.2); c.689+1226A>G (NM_182896.3, NM_001410782.1); c.380+1226A>G (NM_001174151.2); c.368+1226A>G (NM_144996.4).
Identifiers: ClinVar variation 3771862 (VCV003771862.13).

ClinVar aggregate classification (germline): Likely benign (1 of 4 stars; one submission).

gnomAD v4.1: 154 of 152,098 alleles (0.1%); highest among the groups gnomAD compares: Non-Finnish European, 0.15%; 1 homozygote.

Submission:

CeGaT Center for Human Genetics Tuebingen
Classification: Likely benign. Last evaluated: 2025-05-01. Review status: criteria provided, single submitter. Criteria: CeGaT Center For Human Genetics Tuebingen Variant Classification Criteria Version 2. Collection method: clinical testing. Allele origin: germline. Affected: yes. Observed: 4 variant alleles.
Comment: ARL13B: BP4, BP7